The following is an entry in ClinVar:

ClinVar aggregate classification (germline): Uncertain significance (1 of 4 stars; one submission).

gnomAD v4.1: 13 of 1,608,106 alleles (0.00081%); highest among the groups gnomAD compares: Non-Finnish European, 0.001%; no homozygotes.

Submission:

GeneDx
Classification: Uncertain significance. Last evaluated: 2025-08-05. Review status: criteria provided, single submitter. Criteria: GeneDx Variant Classification Process June 2021. Collection method: clinical testing. Allele origin: germline. Affected: yes.
Comment: In silico analysis suggests that this missense variant does not alter protein structure/function; Has not been previously published as pathogenic or benign to our knowledge

NM_002226.5(JAG2):c.1802C>T (p.Ala601Val)

Gene: JAG2 (jagged canonical Notch ligand 2; minus strand). Cytogenetic location: 14q32.33.
Variant type: single nucleotide variant.
Coding change: c.1802C>T on transcript NM_002226.5 (MANE Select); coding-DNA position 1802, C replaced by T.
Protein change: p.Ala601Val; replaces alanine 601 with valine.
Molecular consequence: missense variant.
Genome position (GRCh38, 1-based): chr14:105,149,041, G>A on the plus strand (C>T on the coding strand, the complement: JAG2 is on the minus strand). VCF-style: chr14-105149041-G-A. GRCh37 (hg19) VCF-style: chr14-105615378-G-A.
Other names: c.1688C>T, p.Ala563Val (NM_145159.3); short protein forms A563V, A601V.
Identifiers: ClinVar variation 4755885 (VCV004755885.1).